The following is an entry in ClinVar:

ClinVar aggregate classification (germline): Benign/Likely benign. Review status: criteria provided, multiple submitters, no conflicts (2 of 4 stars). 2 submissions from 2 submitters: Benign (1); Likely benign (1). Last evaluated 2024-11-08.

Conditions:
Hereditary cancer-predisposing syndrome. Also called: Neoplastic Syndromes, Hereditary; Tumor predisposition; Hereditary Cancer Syndrome; Hereditary neoplastic syndrome. Identifiers: Orphanet 140162, MedGen C0027672, MeSH D009386, MONDO:0015356.
Papillary renal cell carcinoma type 1 (RCCP1). Also called: RENAL CELL CARCINOMA, PAPILLARY, 1, SOMATIC; Renal adenocarcinoma; Renal cell carcinoma 1; Renal cell carcinoma, somatic. Identifiers: Orphanet 47044, MedGen C1336839, OMIM 605074, HP:0011797.

gnomAD v4.1: 2 of 1,613,402 alleles (0.00012%); highest among the groups gnomAD compares: Non-Finnish European, 0.00017%; no homozygotes.

Submissions (2):

Myriad Genetics, Inc.
Classification: Benign for Papillary renal cell carcinoma type 1. Last evaluated: 2024-11-08. Review status: criteria provided, single submitter. Criteria: Myriad Autosomal Dominant, Autosomal Recessive and X-Linked Classification Criteria (2023). Collection method: clinical testing. Allele origin: unknown.
Comment: This variant is considered benign. This variant is a silent/synonymous amino acid change and it is not expected to impact splicing.

Ambry Genetics
Classification: Likely benign for Hereditary cancer-predisposing syndrome. Last evaluated: 2022-09-04. Review status: criteria provided, single submitter. Criteria: Ambry Variant Classification Scheme 2023. Collection method: clinical testing. Allele origin: germline.

NM_000245.4(MET):c.1962T>C (p.Tyr654=)

Gene: MET (MET proto-oncogene, receptor tyrosine kinase; plus strand). Cytogenetic location: 7q31.2.
Variant type: single nucleotide variant.
Coding change: c.1962T>C on transcript NM_000245.4 (MANE Select); coding-DNA position 1962, T replaced by C.
Protein change: p.Tyr654=; no amino-acid change (tyrosine 654 retained).
Molecular consequence: synonymous variant.
Genome position (GRCh38, 1-based): chr7:116,757,536, T>C. VCF-style: chr7-116757536-T-C. GRCh37 (hg19) VCF-style: chr7-116397590-T-C.
Other names: c.1962T>C, p.Tyr654= (NM_001127500.3, NM_001324401.3); c.672T>C, p.Tyr224= (NM_001324402.2).
Identifiers: ClinVar variation 1783474 (VCV001783474.3), dbSNP rs2116921387, ClinGen allele CA457216447.
Genomic context (GRCh38, chr7:116,757,536, plus strand): 5'-CAATATGTCCATAATTATTTCAAATGGCCACGGGACAACACAATACAGTACATTCTCCTA[T>C]GTGGTAAGGAAGATTCTATCCTATCATGTTTGATTTTTACTTAATCTATTTAAATTATAA-3'
Protein context (NP_000236.2, residues 644-664): HGTTQYSTFS[Tyr654=]VDPVITSISP